The following is an entry in ClinVar:

ClinVar aggregate classification (germline): Benign (0 of 4 stars; one submission).

Conditions:
KCNJ12-related disorder. Also called: KCNJ12-related condition.

Allele frequency attached by ClinVar (database versions not stated): ExAC 0.20694; 1000 Genomes Project 30x 0.47626.

Submission:

PreventionGenetics, part of Exact Sciences
Classification: Benign for KCNJ12-related condition. Last evaluated: 2019-10-17. Review status: no assertion criteria provided. Collection method: clinical testing. Allele origin: germline.
Comment: This variant is classified as benign based on ACMG/AMP sequence variant interpretation guidelines (Richards et al. 2015 PMID: 25741868, with internal and published modifications).

NM_021012.5(KCNJ12):c.753C>T (p.Ile251=)

Gene: KCNJ12 (potassium inwardly rectifying channel subfamily J member 12; plus strand). Cytogenetic location: 17p11.2.
Variant type: single nucleotide variant.
Coding change: c.753C>T on transcript NM_021012.5 (MANE Select); coding-DNA position 753, C replaced by T.
Protein change: p.Ile251=; no amino-acid change (isoleucine 251 retained).
Molecular consequence: synonymous variant.
Genome position (GRCh38, 1-based): chr17:21,416,095, C>T. VCF-style: chr17-21416095-C-T. GRCh37 (hg19) VCF-style: chr17-21319407-C-T.
Identifiers: ClinVar variation 3060918 (VCV003060918.2), dbSNP rs16962951, ClinGen allele CA8451270.